The following is an entry in ClinVar:

NM_001242896.3(DEPDC5):c.4203+1G>C

Gene: DEPDC5 (DEP domain containing 5, GATOR1 subcomplex subunit; plus strand). Cytogenetic location: 22q12.3.
Variant type: single nucleotide variant.
Coding change: c.4203+1G>C on transcript NM_001242896.3 (MANE Select); the canonical splice donor site of the intron after coding-DNA position 4203, G replaced by C.
Molecular consequence: splice donor variant.
Genome position (GRCh38, 1-based): chr22:31,893,752, G>C. VCF-style: chr22-31893752-G-C. GRCh37 (hg19) VCF-style: chr22-32289738-G-C.
Other names: c.4203+1G>C (NM_001364318.2); c.4176+1G>C (NM_001136029.4); c.4110+1G>C (NM_014662.6, NM_001369903.1); c.4137+1G>C (NM_001363852.2, NM_001364320.2); c.3969+1G>C (NM_001363854.2, NM_001364319.2); c.3903+1G>C (NM_001242897.2); c.4119+1G>C (NM_001369902.1, NM_001369901.1).
Identifiers: ClinVar variation 1066492 (VCV001066492.9), dbSNP rs945102665, ClinGen allele CA323349569.
Genomic context (GRCh38, chr22:31,893,752, plus strand): 5'-GCAGCCTTTGAGATCAAGCTGCACTGGATGGCGGTGACCGCAGCAGTACTCTTCGAGATG[G>C]TGAGAACCTTCATGCATGTTGTCAGGCCTTTGGCTCACCTCACAGTGGGCATGGAGATGC-3'

ClinVar aggregate classification (germline): Likely pathogenic (1 of 4 stars; one submission).

Conditions:
Familial focal epilepsy with variable foci (FPEVF). Identifiers: Orphanet 98820, MedGen C1858477, MONDO:0020310.

Submission:

Labcorp Genetics (formerly Invitae), Labcorp
Classification: Likely pathogenic for Familial focal epilepsy with variable foci. Last evaluated: 2022-03-12. Review status: criteria provided, single submitter. Criteria: Invitae Variant Classification Sherloc (09022015). Collection method: clinical testing. Allele origin: germline.
Comment: ClinVar contains an entry for this variant (Variation ID: 1066492). In summary, the currently available evidence indicates that the variant is pathogenic, but additional data are needed to prove that conclusively. Therefore, this variant has been classified as Likely Pathogenic. Algorithms developed to predict the effect of sequence changes on RNA splicing suggest that this variant may disrupt the consensus splice site. Disruption of this splice site has been observed in individual(s) with clinical features of DEPDC5-related conditions (Invitae). This variant is not present in population databases (gnomAD no frequency). This sequence change affects a donor splice site in intron 39 of the DEPDC5 gene. It is expected to disrupt RNA splicing. Variants that disrupt the donor or acceptor splice site typically lead to a loss of protein function (PMID: 16199547), and loss-of-function variants in DEPDC5 are known to be pathogenic (PMID: 23542697, 23542701).

Literature cited by the submitters: PubMed 16199547; PubMed 23542697; PubMed 23542701.